The following is an entry in ClinVar:

NM_016333.4(SRRM2):c.1151C>G (p.Thr384Ser)

Gene: SRRM2 (serine/arginine repetitive matrix 2; plus strand). Cytogenetic location: 16p13.3.
Variant type: single nucleotide variant.
Coding change: c.1151C>G on transcript NM_016333.4 (MANE Select); coding-DNA position 1151, C replaced by G.
Protein change: p.Thr384Ser; replaces threonine 384 with serine.
Molecular consequence: missense variant.
Genome position (GRCh38, 1-based): chr16:2,761,679, C>G. VCF-style: chr16-2761679-C-G. GRCh37 (hg19) VCF-style: chr16-2811680-C-G.
Other names: short protein forms T384S.
Identifiers: ClinVar variation 4084948 (VCV004084948.8).

ClinVar aggregate classification (germline): Likely benign (1 of 4 stars; one submission).

Submission:

CeGaT Center for Human Genetics Tuebingen
Classification: Likely benign. Last evaluated: 2025-06-01. Review status: criteria provided, single submitter. Criteria: CeGaT Center For Human Genetics Tuebingen Variant Classification Criteria Version 2. Collection method: clinical testing. Allele origin: germline. Affected: yes. Observed: 1 variant allele.
Comment: SRRM2: BP4